The following is an entry in ClinVar:

ClinVar aggregate classification (germline): Conflicting classifications of pathogenicity. Review status: criteria provided, conflicting classifications (1 of 4 stars). 2 submissions from 2 submitters: Uncertain significance (1); Likely benign (1). Last evaluated 2025-12-08.

Conditions:
Hereditary cancer-predisposing syndrome. Also called: Hereditary Cancer Syndrome; Tumor predisposition; Neoplastic Syndromes, Hereditary; Hereditary neoplastic syndrome. Identifiers: Orphanet 140162, MedGen C0027672, MeSH D009386, MONDO:0015356.
Hereditary breast ovarian cancer syndrome. Also called: Hereditary breast and ovarian cancer syndrome (HBOC); Hereditary breast and/or ovarian cancer syndrome; Hereditary breast and ovarian cancer; Hereditary breast and ovarian cancer syndrome; Breast and ovarian cancer; BRCA1- and BRCA2-Associated Hereditary Breast and Ovarian Cancer. Identifiers: Orphanet 145, MedGen C0677776, MeSH D061325, MONDO:0003582. Disease mechanism: loss of function.

Submissions (2):

Ambry Genetics
Classification: Likely benign for Hereditary cancer-predisposing syndrome. Last evaluated: 2025-12-08. Review status: criteria provided, single submitter. Criteria: Ambry Variant Classification Scheme 2023. Collection method: clinical testing. Allele origin: germline.

Labcorp Genetics (formerly Invitae), Labcorp
Classification: Uncertain significance for Hereditary breast ovarian cancer syndrome. Last evaluated: 2023-06-27. Review status: criteria provided, single submitter. Criteria: Invitae Variant Classification Sherloc (09022015). Collection method: clinical testing. Allele origin: germline.
Comment: This sequence change replaces glutamine, which is neutral and polar, with lysine, which is basic and polar, at codon 1095 of the BRCA2 protein (p.Gln1095Lys). In summary, the available evidence is currently insufficient to determine the role of this variant in disease. Therefore, it has been classified as a Variant of Uncertain Significance. Advanced modeling of protein sequence and biophysical properties (such as structural, functional, and spatial information, amino acid conservation, physicochemical variation, residue mobility, and thermodynamic stability) performed at Invitae indicates that this missense variant is not expected to disrupt BRCA2 protein function. This variant has not been reported in the literature in individuals affected with BRCA2-related conditions. This variant is not present in population databases (gnomAD no frequency).

NM_000059.4(BRCA2):c.3283C>A (p.Gln1095Lys)

Gene: BRCA2 (BRCA2 DNA repair associated; plus strand). Cytogenetic location: 13q13.1.
Variant type: single nucleotide variant.
Coding change: c.3283C>A on transcript NM_000059.4 (MANE Select); coding-DNA position 3283, C replaced by A.
Protein change: p.Gln1095Lys; replaces glutamine 1095 with lysine.
Molecular consequence: missense variant. On other transcripts: non-coding transcript variant (1), intron variant (2).
Genome position (GRCh38, 1-based): chr13:32,337,638, C>A. VCF-style: chr13-32337638-C-A. GRCh37 (hg19) VCF-style: chr13-32911775-C-A.
Other names: c.3283C>A, p.Gln1095Lys (NM_001406719.1, NM_001406720.1); c.1909+4251C>A (NM_001406721.1); c.424+6608C>A (NM_001406722.1); short protein forms Q1095K.
Identifiers: ClinVar variation 2729588 (VCV002729588.4), dbSNP rs397507662, ClinGen allele CA387776098.